The following is an entry in ClinVar:

NM_025144.4(ALPK1):c.411G>T (p.Leu137Phe)

Gene: ALPK1 (alpha kinase 1; plus strand). Cytogenetic location: 4q25.
Variant type: single nucleotide variant.
Coding change: c.411G>T on transcript NM_025144.4 (MANE Select); coding-DNA position 411, G replaced by T.
Protein change: p.Leu137Phe; replaces leucine 137 with phenylalanine.
Molecular consequence: missense variant.
Genome position (GRCh38, 1-based): chr4:112,411,961, G>T. VCF-style: chr4-112411961-G-T. GRCh37 (hg19) VCF-style: chr4-113333117-G-T.
Other names: c.411G>T, p.Leu137Phe (NM_001102406.2); c.177G>T, p.Leu59Phe (NM_001253884.2); short protein forms L59F, L137F.
Identifiers: ClinVar variation 2804490 (VCV002804490.3), dbSNP rs367762485, ClinGen allele CA3046359.
Genomic context (GRCh38, chr4:112,411,961, plus strand): 5'-CCTGTATGGGCTCGACGTCTCTGGAAAACTTCTGCAGGTCGCCAAAGGTCTCCACAAGTT[G>T]CAGCCAGCCACGCCAATTGCCCCGCAGGTGGTTATTCGCCAAGCCCGAATCTCCGTGAAC-3'
Protein context (NP_079420.3, residues 127-147): LLQVAKGLHK[Leu137Phe]QPATPIAPQV

ClinVar aggregate classification (germline): Uncertain significance (1 of 4 stars; one submission).

Allele frequency attached by ClinVar (database versions not stated): gnomAD exomes 0.00001; ExAC 0.00002; ESP Exome Variant Server 0.00008.
gnomAD v4.1: 12 of 1,614,142 alleles (0.00074%); highest among the groups gnomAD compares: Non-Finnish European, 0.00076%; no homozygotes.

Submission:

Labcorp Genetics (formerly Invitae), Labcorp
Classification: Uncertain significance. Last evaluated: 2023-10-22. Review status: criteria provided, single submitter. Criteria: Invitae Variant Classification Sherloc (09022015). Collection method: clinical testing. Allele origin: germline.
Comment: This sequence change replaces leucine, which is neutral and non-polar, with phenylalanine, which is neutral and non-polar, at codon 137 of the ALPK1 protein (p.Leu137Phe). This variant is present in population databases (rs367762485, gnomAD 0.01%). This variant has not been reported in the literature in individuals affected with ALPK1-related conditions. Advanced modeling of protein sequence and biophysical properties (such as structural, functional, and spatial information, amino acid conservation, physicochemical variation, residue mobility, and thermodynamic stability) performed at Invitae indicates that this missense variant is not expected to disrupt ALPK1 protein function. In summary, the available evidence is currently insufficient to determine the role of this variant in disease. Therefore, it has been classified as a Variant of Uncertain Significance.